The following is an entry in ClinVar:

ClinVar aggregate classification (germline): Uncertain significance (1 of 4 stars; one submission).

Submission:

Labcorp Genetics (formerly Invitae), Labcorp
Classification: Uncertain significance. Last evaluated: 2025-03-11. Review status: criteria provided, single submitter. Criteria: Invitae Variant Classification Sherloc (09022015). Collection method: clinical testing. Allele origin: germline.
Comment: This sequence change replaces arginine, which is basic and polar, with proline, which is neutral and non-polar, at codon 280 of the CLCN7 protein (p.Arg280Pro). This variant is not present in population databases (gnomAD no frequency). This variant has not been reported in the literature in individuals affected with CLCN7-related conditions. Invitae Evidence Modeling of protein sequence and biophysical properties (such as structural, functional, and spatial information, amino acid conservation, physicochemical variation, residue mobility, and thermodynamic stability) indicates that this missense variant is expected to disrupt CLCN7 protein function with a positive predictive value of 95%. In summary, the available evidence is currently insufficient to determine the role of this variant in disease. Therefore, it has been classified as a Variant of Uncertain Significance.

NM_001287.6(CLCN7):c.839G>C (p.Arg280Pro)

Gene: CLCN7 (Cl-/H+ antiporter 7; minus strand). Cytogenetic location: 16p13.3.
Variant type: single nucleotide variant.
Coding change: c.839G>C on transcript NM_001287.6 (MANE Select); coding-DNA position 839, G replaced by C.
Protein change: p.Arg280Pro; replaces arginine 280 with proline.
Molecular consequence: missense variant.
Genome position (GRCh38, 1-based): chr16:1,456,190, C>G on the plus strand (G>C on the coding strand, the complement: CLCN7 is on the minus strand). VCF-style: chr16-1456190-C-G. GRCh37 (hg19) VCF-style: chr16-1506191-C-G.
Other names: c.767G>C, p.Arg256Pro (NM_001114331.3); short protein forms R256P, R280P.
Identifiers: ClinVar variation 4802819 (VCV004802819.1).